The following is an entry in ClinVar:

NM_002485.5(NBN):c.717T>A (p.Ser239Arg)

Gene: NBN (nibrin; minus strand). Cytogenetic location: 8q21.3.
Variant type: single nucleotide variant.
Coding change: c.717T>A on transcript NM_002485.5 (MANE Select); coding-DNA position 717, T replaced by A.
Protein change: p.Ser239Arg; replaces serine 239 with arginine.
Molecular consequence: missense variant.
Genome position (GRCh38, 1-based): chr8:89,970,543, A>T on the plus strand (T>A on the coding strand, the complement: NBN is on the minus strand). VCF-style: chr8-89970543-A-T. GRCh37 (hg19) VCF-style: chr8-90982771-A-T.
Other names: c.471T>A, p.Ser157Arg (NM_001024688.3); short protein forms S157R, S239R.
Identifiers: ClinVar variation 1757533 (VCV001757533.2), dbSNP rs2488311272, ClinGen allele CA371658870.
Genomic context (GRCh38, chr8:89,970,543, plus strand): 5'-TTCTTCTTCATTCTCTTCTGTTATCAACCTAGCTTCCCCACCTCCAAAGACAACTGCGGA[A>T]CTCAATTTCTTATGCTAAAAATGGAAGGAAACATTTTTTAAAGTAAAATGTAGTAATTTT-3'
Protein context (NP_002476.2, residues 229-249): FLNAKQHKKL[Ser239Arg]SAVVFGGGEA

ClinVar aggregate classification (germline): Uncertain significance (1 of 4 stars; one submission).

Conditions:
Hereditary cancer-predisposing syndrome. Also called: Neoplastic Syndromes, Hereditary; Tumor predisposition; Hereditary Cancer Syndrome; Hereditary neoplastic syndrome. Identifiers: Orphanet 140162, MedGen C0027672, MeSH D009386, MONDO:0015356.

Submission:

Ambry Genetics
Classification: Uncertain significance for Hereditary cancer-predisposing syndrome. Last evaluated: 2022-02-12. Review status: criteria provided, single submitter. Criteria: Ambry Variant Classification Scheme 2023. Collection method: clinical testing. Allele origin: germline.
Comment: The p.S239R variant (also known as c.717T>A), located in coding exon 7 of the NBN gene, results from a T to A substitution at nucleotide position 717. The serine at codon 239 is replaced by arginine, an amino acid with dissimilar properties. This amino acid position is conserved. In addition, the in silico prediction for this alteration is inconclusive. Since supporting evidence is limited at this time, the clinical significance of this alteration remains unclear.